The following is an entry in ClinVar:

ClinVar aggregate classification (germline): Uncertain significance (1 of 4 stars; one submission).

Submission:

Labcorp Genetics (formerly Invitae), Labcorp
Classification: Uncertain significance. Last evaluated: 2023-03-20. Review status: criteria provided, single submitter. Criteria: Invitae Variant Classification Sherloc (09022015). Collection method: clinical testing. Allele origin: germline.
Comment: This variant has not been reported in the literature in individuals affected with MSH3-related conditions. This variant is not present in population databases (gnomAD no frequency). This sequence change replaces lysine, which is basic and polar, with threonine, which is neutral and polar, at codon 98 of the MSH3 protein (p.Lys98Thr). In summary, the available evidence is currently insufficient to determine the role of this variant in disease. Therefore, it has been classified as a Variant of Uncertain Significance. An algorithm developed to predict the effect of missense changes on protein structure and function (PolyPhen-2) suggests that this variant¬† is likely to be tolerated.

NM_002439.5(MSH3):c.293A>C (p.Lys98Thr)

Gene: MSH3 (mutS homolog 3; plus strand). Cytogenetic location: 5q14.1.
Variant type: single nucleotide variant.
Coding change: c.293A>C on transcript NM_002439.5 (MANE Select); coding-DNA position 293, A replaced by C.
Protein change: p.Lys98Thr; replaces lysine 98 with threonine.
Molecular consequence: missense variant.
Genome position (GRCh38, 1-based): chr5:80,656,466, A>C. VCF-style: chr5-80656466-A-C. GRCh37 (hg19) VCF-style: chr5-79952285-A-C.
Other names: short protein forms K98T.
Identifiers: ClinVar variation 2846854 (VCV002846854.1), dbSNP rs2546712203, ClinGen allele CA360266288.